The following is an entry in ClinVar:

ClinVar aggregate classification (germline): Benign (1 of 4 stars; one submission).

Conditions:
Hennekam lymphangiectasia-lymphedema syndrome 1 (HKLLS1). Also called: LYMPHATIC DYSPLASIA, GENERALIZED. Identifiers: Orphanet 2136, MedGen C4012050, MONDO:0009337, OMIM 235510.

Allele frequency attached by ClinVar (database versions not stated): gnomAD 0.00006 and 0.00097; TOPMed 0.00019; 1000 Genomes Project 30x 0.00609; 1000 Genomes Project 0.00679.

Submission:

Illumina Laboratory Services, Illumina
Classification: Benign for Hennekam lymphangiectasia-lymphedema syndrome 1. Last evaluated: 2018-01-12. Review status: criteria provided, single submitter. Criteria: ICSL Variant Classification Criteria 13 December 2019. Collection method: clinical testing. Allele origin: germline.
Comment: This variant was observed in the ICSL laboratory as part of a predisposition screen in an ostensibly healthy population. It had not been previously curated by ICSL or reported in the Human Gene Mutation Database (HGMD: prior to June 1st, 2018), and was therefore a candidate for classification through an automated scoring system. Utilizing variant allele frequency, disease prevalence and penetrance estimates, and inheritance mode, an automated score was calculated to assess if this variant is too frequent to cause the disease. Based on the score and internal cut-off values, a variant classified as benign is not then subjected to further curation. The score for this variant resulted in a classification of benign for this disease.

NM_133459.4(CCBE1):c.*4180A>G

Gene: CCBE1 (collagen and calcium binding EGF domains 1; minus strand). Cytogenetic location: 18q21.32.
Variant type: single nucleotide variant.
Coding change: c.*4180A>G on transcript NM_133459.4 (MANE Select); 4180 bases downstream of the stop codon, A replaced by G.
Molecular consequence: 3 prime UTR variant.
Genome position (GRCh38, 1-based): chr18:59,431,728, T>C on the plus strand (A>G on the coding strand, the complement: CCBE1 is on the minus strand). VCF-style: chr18-59431728-T-C. GRCh37 (hg19) VCF-style: chr18-57098960-T-C.
Other names: c.*4180A>G (LRG_1209t1).
Identifiers: ClinVar variation 327600 (VCV000327600.5), dbSNP rs556156318, ClinGen allele CA10641939.